The following is an entry in ClinVar:

ClinVar aggregate classification (germline): Uncertain significance (1 of 4 stars; one submission).

Submission:

CeGaT Center for Human Genetics Tuebingen
Classification: Uncertain significance. Last evaluated: 2023-12-01. Review status: criteria provided, single submitter. Criteria: CeGaT Center For Human Genetics Tuebingen Variant Classification Criteria Version 2. Collection method: clinical testing. Allele origin: germline. Affected: yes. Observed: 1 variant allele.
Comment: GFAP: PM2

NM_002055.5(GFAP):c.1171+66T>A

Gene: GFAP (glial fibrillary acidic protein; minus strand). Cytogenetic location: 17q21.31.
Variant type: single nucleotide variant.
Coding change: c.1171+66T>A on transcript NM_002055.5 (MANE Select); 66 bases into the intron after coding-DNA position 1171, T replaced by A.
Molecular consequence: intron variant. On other transcripts: missense variant (1).
Genome position (GRCh38, 1-based): chr17:44,910,549, A>T on the plus strand (T>A on the coding strand, the complement: GFAP is on the minus strand). VCF-style: chr17-44910549-A-T. GRCh37 (hg19) VCF-style: chr17-42987917-A-T.
Other names: c.1237T>A, p.Leu413Met (NM_001242376.3); c.1171+66T>A (NM_001363846.2, NM_001131019.3); short protein forms L413M.
Identifiers: ClinVar variation 3026239 (VCV003026239.22), dbSNP rs1295754912, ClinGen allele CA399841497.
Genomic context (GRCh38, chr17:44,910,549, plus strand): 5'-CGAAGGCCCCCAGGGAGAGCTGGATCCCTTTGCCCTGATCCTCAGTCCCAGTCTGGAGCA[A>T]CCTACAGGCCCTGGAGGAGGGGGCAGGACTCCAGTGCCCTTCCCACGAGGCCCTGCTGTA-3'